The following is an entry in ClinVar:

NM_014915.3(ANKRD26):c.3986A>C (p.Lys1329Thr)

Gene: ANKRD26 (ankyrin repeat domain 26; minus strand). Cytogenetic location: 10p12.1.
Variant type: single nucleotide variant.
Coding change: c.3986A>C on transcript NM_014915.3 (MANE Select); coding-DNA position 3986, A replaced by C.
Protein change: p.Lys1329Thr; replaces lysine 1329 with threonine.
Molecular consequence: missense variant.
Genome position (GRCh38, 1-based): chr10:27,024,546, T>G on the plus strand (A>C on the coding strand, the complement: ANKRD26 is on the minus strand). VCF-style: chr10-27024546-T-G. GRCh37 (hg19) VCF-style: chr10-27313475-T-G.
Other names: c.3983A>C, p.Lys1328Thr (NM_001256053.2); short protein forms K1328T, K1329T.
Identifiers: ClinVar variation 3709113 (VCV003709113.3).

ClinVar aggregate classification (germline): Uncertain significance. Review status: criteria provided, multiple submitters, no conflicts (2 of 4 stars). 2 submissions from 2 submitters: Uncertain significance (2). Last evaluated 2025-01-08.

Conditions:
Inborn genetic diseases. Identifiers: MedGen C0950123, MeSH D030342.

gnomAD v4.1: 5 of 1,557,532 alleles (0.00032%); highest among the groups gnomAD compares: East Asian, 0.009%; no homozygotes.

Submissions (2):

Ambry Genetics
Classification: Uncertain significance for Inborn genetic diseases. Last evaluated: 2025-01-08. Review status: criteria provided, single submitter. Criteria: Ambry Variant Classification Scheme 2023. Collection method: clinical testing. Allele origin: germline.
Comment: The p.K1329T variant (also known as c.3986A>C), located in coding exon 28 of the ANKRD26 gene, results from an A to C substitution at nucleotide position 3986. The lysine at codon 1329 is replaced by threonine, an amino acid with similar properties. This amino acid position is conserved. In addition, this alteration is predicted to be tolerated by in silico analysis. Based on the available evidence, the clinical significance of this variant remains unclear.

Labcorp Genetics (formerly Invitae), Labcorp
Classification: Uncertain significance. Last evaluated: 2024-03-20. Review status: criteria provided, single submitter. Criteria: Invitae Variant Classification Sherloc (09022015). Collection method: clinical testing. Allele origin: germline.
Comment: This sequence change replaces lysine, which is basic and polar, with threonine, which is neutral and polar, at codon 1329 of the ANKRD26 protein (p.Lys1329Thr). This variant is present in population databases (rs201195807, gnomAD 0.006%). This variant has not been reported in the literature in individuals affected with ANKRD26-related conditions. An algorithm developed to predict the effect of missense changes on protein structure and function (PolyPhen-2) suggests that this variant is likely to be disruptive. In summary, the available evidence is currently insufficient to determine the role of this variant in disease. Therefore, it has been classified as a Variant of Uncertain Significance.